The following is an entry in ClinVar:

NM_001385012.1(NBEA):c.6603G>A (p.Glu2201=)

Gene: NBEA (neurobeachin; plus strand). Cytogenetic location: 13q13.3.
Variant type: single nucleotide variant.
Coding change: c.6603G>A on transcript NM_001385012.1 (MANE Select); coding-DNA position 6603, G replaced by A.
Protein change: p.Glu2201=; no amino-acid change (glutamic acid 2201 retained).
Molecular consequence: synonymous variant. On other transcripts: 5 prime UTR variant (1).
Genome position (GRCh38, 1-based): chr13:35,550,494, G>A. VCF-style: chr13-35550494-G-A. GRCh37 (hg19) VCF-style: chr13-36124631-G-A.
Other names: NC_000013.10:g.36124631G>A; c.-19G>A (NM_001204197.3); c.6594G>A, p.Glu2198= (NM_001379245.1); c.6603G>A, p.Glu2201= (NM_015678.5).
Identifiers: ClinVar variation 770780 (VCV000770780.36), dbSNP rs183274221, ClinGen allele CA6947554.

ClinVar aggregate classification (germline): Likely benign. Review status: criteria provided, multiple submitters, no conflicts (2 of 4 stars). 5 submissions from 5 submitters: Likely benign (4). 1 of the submissions does not count toward it. Last evaluated 2025-03-01.

Conditions:
NBEA-related disorder. Also called: NBEA-related condition.

Allele frequency attached by ClinVar (database versions not stated): gnomAD 0.00106 and 0.00098; ESP Exome Variant Server 0.00109; 1000 Genomes Project 30x 0.00016; TOPMed 0.00103.
gnomAD v4.1: 2,174 of 1,611,240 alleles (0.13%); highest among the groups gnomAD compares: Non-Finnish European, 0.16%; 2 homozygotes.

Submissions (7):

CeGaT Center for Human Genetics Tuebingen
Classification: Likely benign. Last evaluated: 2025-03-01. Review status: criteria provided, single submitter. Criteria: CeGaT Center For Human Genetics Tuebingen Variant Classification Criteria Version 2. Collection method: clinical testing. Allele origin: germline. Affected: yes. Observed: 5 variant alleles.
Comment: NBEA: BP4, BP7

Blueprint Genetics
Classification: Likely benign. Last evaluated: 2024-10-10. Review status: criteria provided, single submitter. Criteria: ACMG Guidelines, 2015. Collection method: clinical testing. Allele origin: germline.

Labcorp Genetics (formerly Invitae), Labcorp
Classification: Likely benign. Last evaluated: 2019-12-31. Review status: criteria provided, single submitter. Criteria: Invitae Variant Classification Sherloc (09022015). Collection method: clinical testing. Allele origin: germline.

Breakthrough Genomics
Classification: Likely benign. Review status: criteria provided, single submitter. Criteria: ACMG Guidelines, 2015. Collection method: not provided. Allele origin: germline. Inheritance: Autosomal dominant inheritance. Affected: yes.

PreventionGenetics, part of Exact Sciences
Classification: Likely benign for NBEA-related condition. Last evaluated: 2022-05-22. Review status: no assertion criteria provided. Collection method: clinical testing. Allele origin: germline. Not counted in ClinVar's aggregate classification.
Comment: This variant is classified as likely benign based on ACMG/AMP sequence variant interpretation guidelines (Richards et al. 2015 PMID: 25741868, with internal and published modifications).

Dr. Peter K. Rogan Lab, Western University
No classification provided (evidence only). Condition: Lung cancer. Review status: no classification provided. Collection method: in vitro. Allele origin: not applicable. Functional consequence: retained intron. Not counted in ClinVar's aggregate classification.

Dr. Peter K. Rogan Lab, Western University
No classification provided (evidence only). Condition: Familial cancer of breast. Review status: no classification provided. Collection method: in vitro. Allele origin: not applicable. Functional consequence: retained intron. Not counted in ClinVar's aggregate classification.